The following is an entry in ClinVar:

NM_000051.4(ATM):c.6348-8del

Genes: ATM (ATM serine/threonine kinase; plus strand), C11orf65 (chromosome 11 open reading frame 65; minus strand). Cytogenetic location: 11q22.3.
Variant type: Deletion.
Coding change: c.6348-8del on transcript NM_000051.4 (MANE Select); 8 bases into the intron before coding-DNA position 6348, one base deleted (T; older notation c.6348-8delT).
Molecular consequence: intron variant.
Genome position (GRCh38, 1-based): chr11:108,319,946, T deleted. VCF-style (leftmost placement, unchanged base first): chr11-108319945-AT-A. GRCh37 (hg19) VCF-style: chr11-108190672-AT-A.
Other names: c.6348-8del (NM_001351834.2); c.641-10875del (NM_001330368.2); c.*39-10875del (NM_001351110.2).
Identifiers: ClinVar variation 3254345 (VCV003254345.1), dbSNP rs2547144117.

ClinVar aggregate classification (germline): Likely benign (1 of 4 stars; one submission).

Conditions:
Familial cancer of breast. Also called: hereditary breast carcinoma; BREAST CANCER, FAMILIAL; Hereditary breast cancer. Identifiers: Orphanet 227535, MedGen C0346153, MONDO:0016419, OMIM 114480. Disease mechanism: loss of function.

Submission:

Myriad Genetics, Inc.
Classification: Likely benign for Familial cancer of breast. Last evaluated: 2024-06-24. Review status: criteria provided, single submitter. Criteria: Myriad Autosomal Dominant, Autosomal Recessive and X-Linked Classification Criteria (2023). Collection method: clinical testing. Allele origin: unknown.
Comment: This variant is considered likely benign. This variant is intronic and is not expected to impact mRNA splicing.